The following is an entry in ClinVar:

NM_001375567.1(FOCAD):c.248A>G (p.Tyr83Cys)

Gene: FOCAD (focadhesin; plus strand). Cytogenetic location: 9p21.3.
Variant type: single nucleotide variant.
Coding change: c.248A>G on transcript NM_001375567.1 (MANE Select); coding-DNA position 248, A replaced by G.
Protein change: p.Tyr83Cys; replaces tyrosine 83 with cysteine.
Molecular consequence: missense variant.
Genome position (GRCh38, 1-based): chr9:20,720,495, A>G. VCF-style: chr9-20720495-A-G. GRCh37 (hg19) VCF-style: chr9-20720494-A-G.
Other names: c.248A>G, p.Tyr83Cys (NM_001375568.1, NM_001375570.1, NM_017794.5); short protein forms Y83C.
Identifiers: ClinVar variation 3516494 (VCV003516494.3).
Genomic context (GRCh38, chr9:20,720,495, plus strand): 5'-GAACAGCCTGCTGTGAAGGTCTGGTGGCACTCGTTGCTCAGGATCATGCAGAGTTCAGCT[A>G]TGTTCTCAATGGGATACTCAACTTGATTCCATCAACCAGGTACTTTTTCCTCAGTGTTTG-3'
Protein context (NP_001362496.1, residues 73-93): LVAQDHAEFS[Tyr83Cys]VLNGILNLIP

ClinVar aggregate classification (germline): Uncertain significance. Review status: criteria provided, multiple submitters, no conflicts (2 of 4 stars). 2 submissions from 2 submitters: Uncertain significance (2). Last evaluated 2025-09-10.

Conditions:
Inborn genetic diseases. Identifiers: MedGen C0950123, MeSH D030342.

gnomAD v4.1: 53 of 1,613,956 alleles (0.0033%); highest among the groups gnomAD compares: East Asian, 0.029%; no homozygotes.

Submissions (2):

Labcorp Genetics (formerly Invitae), Labcorp
Classification: Uncertain significance. Last evaluated: 2025-09-10. Review status: criteria provided, single submitter. Criteria: Invitae Variant Classification Sherloc (09022015). Collection method: clinical testing. Allele origin: germline.
Comment: This sequence change replaces tyrosine, which is neutral and polar, with cysteine, which is neutral and slightly polar, at codon 83 of the FOCAD protein (p.Tyr83Cys). This variant is present in population databases (rs776606623, gnomAD 0.03%). This variant has not been reported in the literature in individuals affected with FOCAD-related conditions. ClinVar contains an entry for this variant (Variation ID: 3516494). Experimental studies and prediction algorithms are not available or were not evaluated, and the functional significance of this variant is currently unknown. In summary, the available evidence is currently insufficient to determine the role of this variant in disease. Therefore, it has been classified as a Variant of Uncertain Significance.

Ambry Genetics
Classification: Uncertain significance for Inborn genetic diseases. Last evaluated: 2024-12-06. Review status: criteria provided, single submitter. Criteria: Ambry Variant Classification Scheme 2023. Collection method: clinical testing. Allele origin: germline.